The following is an entry in ClinVar:

NM_152744.4(SDK1):c.5214+8C>T

Gene: SDK1 (sidekick cell adhesion molecule 1; plus strand). Cytogenetic location: 7p22.2.
Variant type: single nucleotide variant.
Coding change: c.5214+8C>T on transcript NM_152744.4 (MANE Select); 8 bases into the intron after coding-DNA position 5214, C replaced by T.
Molecular consequence: intron variant.
Genome position (GRCh38, 1-based): chr7:4,206,002, C>T. VCF-style: chr7-4206002-C-T. GRCh37 (hg19) VCF-style: chr7-4245634-C-T.
Other names: c.675+8C>T (NM_001079653.2).
Identifiers: ClinVar variation 161816 (VCV000161816.2), dbSNP rs193920905, ClinGen allele CA174840.
Genomic context (GRCh38, chr7:4,206,002, plus strand): 5'-CGTGGGACCCACCACCCCCGGAGAGCCAGAATGGGAACATCCAAGGCTACAAGGCAAGGC[C>T]CTCCCGTGCGGTTGCCTCCCCTGGCTCGCTTGGGCACCCCTCGTTCACGTGGTCCTGCCT-3'

ClinVar aggregate classification (germline): Uncertain significance (0 of 4 stars; one submission).

Conditions:
Prostate cancer. Also called: Malignant tumor of prostate. Identifiers: Orphanet 1331, MedGen C0376358, MONDO:0008315, HP:0012125.

Allele frequency attached by ClinVar (database versions not stated): gnomAD exomes below 0.00001.
gnomAD v4.1: 1 of 1,517,936 alleles (0.000066%); highest among the groups gnomAD compares: African/African-American, 0.0014%; no homozygotes.

Submission:

Science for Life laboratory,  Karolinska Institutet
Classification: Uncertain significance for Malignant tumor of prostate. Review status: no assertion criteria provided. Collection method: not provided. Allele origin: somatic.
Comment: TumorID:SWE-19
ClinVar note: Converted during submission from Unknown to Uncertain significance.